The following is an entry in ClinVar:

ClinVar aggregate classification (germline): Uncertain significance (1 of 4 stars; one submission).

Allele frequency attached by ClinVar (database versions not stated): gnomAD exomes below 0.00001.
gnomAD v4.1: 2 of 1,611,572 alleles (0.00012%); highest among the groups gnomAD compares: Admixed American, 0.0017%; no homozygotes.

Submission:

Labcorp Genetics (formerly Invitae), Labcorp
Classification: Uncertain significance. Last evaluated: 2021-11-30. Review status: criteria provided, single submitter. Criteria: Invitae Variant Classification Sherloc (09022015). Collection method: clinical testing. Allele origin: germline.
Comment: Algorithms developed to predict the effect of missense changes on protein structure and function are either unavailable or do not agree on the potential impact of this missense change (SIFT: "Deleterious"; PolyPhen-2: "Possibly Damaging"; Align-GVGD: "Class C0"). In summary, the available evidence is currently insufficient to determine the role of this variant in disease. Therefore, it has been classified as a Variant of Uncertain Significance. This variant has not been reported in the literature in individuals affected with C7-related conditions. This sequence change replaces leucine, which is neutral and non-polar, with valine, which is neutral and non-polar, at codon 424 of the C7 protein (p.Leu424Val). This variant is present in population databases (no rsID available, gnomAD 0.003%).

NM_000587.4(C7):c.1270T>G (p.Leu424Val)

Gene: C7 (complement C7; plus strand). Cytogenetic location: 5p13.1.
Variant type: single nucleotide variant.
Coding change: c.1270T>G on transcript NM_000587.4 (MANE Select); coding-DNA position 1270, T replaced by G.
Protein change: p.Leu424Val; replaces leucine 424 with valine.
Molecular consequence: missense variant.
Genome position (GRCh38, 1-based): chr5:40,958,042, T>G. VCF-style: chr5-40958042-T-G. GRCh37 (hg19) VCF-style: chr5-40958144-T-G.
Other names: short protein forms L424V.
Identifiers: ClinVar variation 1471867 (VCV001471867.6), dbSNP rs1411622364, ClinGen allele CA359586083.
Genomic context (GRCh38, chr5:40,958,042, plus strand): 5'-TATTCTTGCCTAAATCCCTGATTACTGACTATAATGTCTTTATCTCTATAGCTGACACCT[T>G]TATATGAGCTGGTAAAGGAAGTACCTTGTGCCTCTGTGAAAAAACTATACCTGAAATGGG-3'
Protein context (NP_000578.2, residues 414-434): PQVIKQKLTP[Leu424Val]YELVKEVPCA